The following is an entry in ClinVar:

NM_020207.7(ERCC6L2):c.535A>T (p.Met179Leu)

Gene: ERCC6L2 (ERCC excision repair 6 like 2; plus strand). Cytogenetic location: 9q22.32.
Variant type: single nucleotide variant.
Coding change: c.535A>T on transcript NM_020207.7 (MANE Select); coding-DNA position 535, A replaced by T.
Protein change: p.Met179Leu; replaces methionine 179 with leucine.
Molecular consequence: missense variant. On other transcripts: non-coding transcript variant (1).
Genome position (GRCh38, 1-based): chr9:95,897,912, A>T. VCF-style: chr9-95897912-A-T. GRCh37 (hg19) VCF-style: chr9-98660194-A-T.
Other names: c.535A>T, p.Met179Leu (NM_001010895.4, NM_001375291.1, NM_001375292.1 and 2 more transcripts); short protein forms M179L.
Identifiers: ClinVar variation 1937895 (VCV001937895.6), dbSNP rs77857685, ClinGen allele CA196559573.

ClinVar aggregate classification (germline): Uncertain significance. Review status: criteria provided, multiple submitters, no conflicts (2 of 4 stars). 2 submissions from 2 submitters: Uncertain significance (2). Last evaluated 2025-08-04.

Conditions:
Inborn genetic diseases. Identifiers: MedGen C0950123, MeSH D030342.

Allele frequency attached by ClinVar (database versions not stated): gnomAD exomes below 0.00001; TOPMed below 0.00001.

Submissions (2):

Ambry Genetics
Classification: Uncertain significance for Inborn genetic diseases. Last evaluated: 2025-08-04. Review status: criteria provided, single submitter. Criteria: Ambry Variant Classification Scheme 2023. Collection method: clinical testing. Allele origin: germline.
Comment: The p.M179L variant (also known as c.535A>T), located in coding exon 3 of the ERCC6L2 gene, results from an A to T substitution at nucleotide position 535. The methionine at codon 179 is replaced by leucine, an amino acid with highly similar properties. This amino acid position is conserved. In addition, the in silico prediction for this alteration is inconclusive. Based on the available evidence, the clinical significance of this variant remains unclear.

Labcorp Genetics (formerly Invitae), Labcorp
Classification: Uncertain significance. Last evaluated: 2022-05-03. Review status: criteria provided, single submitter. Criteria: Invitae Variant Classification Sherloc (09022015). Collection method: clinical testing. Allele origin: germline.
Comment: This sequence change replaces methionine, which is neutral and non-polar, with leucine, which is neutral and non-polar, at codon 190 of the ERCC6L2 protein (p.Met190Leu). This variant is present in population databases (rs77857685, gnomAD 0.0009%). In summary, the available evidence is currently insufficient to determine the role of this variant in disease. Therefore, it has been classified as a Variant of Uncertain Significance. Algorithms developed to predict the effect of missense changes on protein structure and function are either unavailable or do not agree on the potential impact of this missense change (SIFT: "Tolerated"; PolyPhen-2: "Not Available"; Align-GVGD: "Class C0"). This variant has not been reported in the literature in individuals affected with ERCC6L2-related conditions.